The following is an entry in ClinVar:

NM_001142800.2(EYS):c.4473G>A (p.Met1491Ile)

Gene: EYS (EGF-like photoreceptor maintenance factor; minus strand). Cytogenetic location: 6q12.
Variant type: single nucleotide variant.
Coding change: c.4473G>A on transcript NM_001142800.2 (MANE Select); coding-DNA position 4473, G replaced by A.
Protein change: p.Met1491Ile; replaces methionine 1491 with isoleucine.
Molecular consequence: missense variant.
Genome position (GRCh38, 1-based): chr6:64,591,394, C>T on the plus strand (G>A on the coding strand, the complement: EYS is on the minus strand). VCF-style: chr6-64591394-C-T. GRCh37 (hg19) VCF-style: chr6-65301287-C-T.
Other names: c.4473G>A, p.Met1491Ile (NM_001292009.2); short protein forms M1491I.
Identifiers: ClinVar variation 1989867 (VCV001989867.4), dbSNP rs2533153708, ClinGen allele CA364783247.

ClinVar aggregate classification (germline): Uncertain significance (1 of 4 stars; one submission).

Allele frequency attached by ClinVar (database versions not stated): gnomAD exomes 0.00001.

Submission:

Labcorp Genetics (formerly Invitae), Labcorp
Classification: Uncertain significance. Last evaluated: 2022-07-12. Review status: criteria provided, single submitter. Criteria: Invitae Variant Classification Sherloc (09022015). Collection method: clinical testing. Allele origin: germline.
Comment: This sequence change replaces methionine, which is neutral and non-polar, with isoleucine, which is neutral and non-polar, at codon 1491 of the EYS protein (p.Met1491Ile). This variant is not present in population databases (gnomAD no frequency). In summary, the available evidence is currently insufficient to determine the role of this variant in disease. Therefore, it has been classified as a Variant of Uncertain Significance. Algorithms developed to predict the effect of missense changes on protein structure and function output the following: SIFT: "Tolerated"; PolyPhen-2: "Possibly Damaging"; Align-GVGD: "Class C0". The isoleucine amino acid residue is found in multiple mammalian species, which suggests that this missense change does not adversely affect protein function. This variant has not been reported in the literature in individuals affected with EYS-related conditions.